The following is an entry in ClinVar:

ClinVar aggregate classification (germline): Uncertain significance (1 of 4 stars; one submission).

Conditions:
Nephronophthisis 15 (NPHP15). Identifiers: Orphanet 3156, MedGen C3541853, MONDO:0013917, OMIM 614845.

Allele frequency attached by ClinVar (database versions not stated): TOPMed below 0.00001; gnomAD 0.00001; gnomAD exomes 0.00001; ExAC 0.00003.
gnomAD v4.1: 8 of 1,609,952 alleles (0.0005%); highest among the groups gnomAD compares: Non-Finnish European, 0.00068%; no homozygotes.

Submission:

Labcorp Genetics (formerly Invitae), Labcorp
Classification: Uncertain significance for Nephronophthisis 15. Last evaluated: 2025-03-17. Review status: criteria provided, single submitter. Criteria: Invitae Variant Classification Sherloc (09022015). Collection method: clinical testing. Allele origin: germline.
Comment: This sequence change replaces glutamic acid, which is acidic and polar, with lysine, which is basic and polar, at codon 787 of the CEP164 protein (p.Glu787Lys). This variant is present in population databases (rs772204225, gnomAD 0.004%). This variant has not been reported in the literature in individuals affected with CEP164-related conditions. ClinVar contains an entry for this variant (Variation ID: 2201437). An algorithm developed to predict the effect of missense changes on protein structure and function (PolyPhen-2) suggests that this variant is likely to be tolerated. In summary, the available evidence is currently insufficient to determine the role of this variant in disease. Therefore, it has been classified as a Variant of Uncertain Significance.

NM_014956.5(CEP164):c.2359G>A (p.Glu787Lys)

Gene: CEP164 (centrosomal protein 164; plus strand). Cytogenetic location: 11q23.3.
Variant type: single nucleotide variant.
Coding change: c.2359G>A on transcript NM_014956.5 (MANE Select); coding-DNA position 2359, G replaced by A.
Protein change: p.Glu787Lys; replaces glutamic acid 787 with lysine.
Molecular consequence: missense variant.
Genome position (GRCh38, 1-based): chr11:117,392,301, G>A. VCF-style: chr11-117392301-G-A. GRCh37 (hg19) VCF-style: chr11-117263017-G-A.
Other names: c.2368G>A, p.Glu790Lys (NM_001271933.2); short protein forms E787K, E790K.
Identifiers: ClinVar variation 2201437 (VCV002201437.3), dbSNP rs772204225, ClinGen allele CA6295035.